The following is an entry in ClinVar:

NM_025099.6(CTC1):c.1678C>T (p.Gln560Ter)

Gene: CTC1 (CST telomere replication complex component 1; minus strand). Cytogenetic location: 17p13.1.
Variant type: single nucleotide variant.
Coding change: c.1678C>T on transcript NM_025099.6 (MANE Select); coding-DNA position 1678, C replaced by T.
Protein change: p.Gln560Ter; replaces glutamine 560 with a stop codon.
Molecular consequence: nonsense. On other transcripts: non-coding transcript variant (1).
Genome position (GRCh38, 1-based): chr17:8,234,595, G>A on the plus strand (C>T on the coding strand, the complement: CTC1 is on the minus strand). VCF-style: chr17-8234595-G-A. GRCh37 (hg19) VCF-style: chr17-8137913-G-A.
Other names: c.1678C>T, p.Gln560Ter (NM_001411067.1); short protein forms Q560*.
Identifiers: ClinVar variation 4996458 (VCV004996458.1).

ClinVar aggregate classification (germline): Likely pathogenic (1 of 4 stars; one submission).

Conditions:
CTC1-related disorder. Also called: CTC1-related condition.

Submission:

PreventionGenetics, part of Exact Sciences
Classification: Likely pathogenic for CTC1-related condition. Last evaluated: 2026-04-30. Review status: criteria provided, single submitter. Criteria: ACMG Guidelines, 2015. Collection method: clinical testing. Allele origin: germline.
Comment: The CTC1 c.1678C>T variant is predicted to result in premature protein termination (p.Gln560*). To our knowledge, this variant has not been reported in the literature or in a large population database (gnomAD), indicating this variant is rare. Nonsense variants in CTC1 are expected to be pathogenic. This variant is interpreted as likely pathogenic.